The following is an entry in ClinVar:

NM_003002.4(SDHD):c.155C>A (p.Ser52Ter)

Gene: SDHD (succinate dehydrogenase complex subunit D; plus strand). Cytogenetic location: 11q23.1.
Variant type: single nucleotide variant.
Coding change: c.155C>A on transcript NM_003002.4 (MANE Select); coding-DNA position 155, C replaced by A.
Protein change: p.Ser52Ter; replaces serine 52 with a stop codon.
Molecular consequence: nonsense. On other transcripts: non-coding transcript variant (1), intron variant (1).
Genome position (GRCh38, 1-based): chr11:112,087,959, C>A. VCF-style: chr11-112087959-C-A. GRCh37 (hg19) VCF-style: chr11-111958683-C-A.
Other names: c.155C>A, p.Ser52Ter (NM_001276503.2, NM_001276506.2); c.53-908C>A (NM_001276504.2); short protein forms S52*.
Identifiers: ClinVar variation 142068 (VCV000142068.8), dbSNP rs587782210, ClinGen allele CA016773.

ClinVar aggregate classification (germline): Pathogenic. Review status: criteria provided, multiple submitters, no conflicts (2 of 4 stars). 2 submissions from 2 submitters: Pathogenic (2). Last evaluated 2025-12-14.

Conditions:
Carney-Stratakis syndrome. Also called: PARAGANGLIOMA AND GASTROINTESTINAL STROMAL TUMOR. Identifiers: Orphanet 97286, MedGen C1847319, MONDO:0011740, OMIM 606864.
Pheochromocytoma. Also called: MAX-Related Hereditary Paraganglioma-Pheochromocytoma Syndrome. Identifiers: Orphanet 29072, MedGen C0031511, MONDO:0008233, OMIM 171300, HP:0002666.
Paragangliomas with sensorineural hearing loss. Identifiers: MedGen C1868633.
Cowden syndrome 3 (CWS3). Identifiers: Orphanet 201, MedGen CN166604, MONDO:0014045.
Hereditary cancer-predisposing syndrome. Also called: Neoplastic Syndromes, Hereditary; Tumor predisposition; Hereditary Cancer Syndrome; Hereditary neoplastic syndrome. Identifiers: Orphanet 140162, MedGen C0027672, MeSH D009386, MONDO:0015356.

Submissions (2):

Labcorp Genetics (formerly Invitae), Labcorp
Classification: Pathogenic for Carney-Stratakis syndrome; Paragangliomas with sensorineural hearing loss; Pheochromocytoma; Cowden syndrome 3. Last evaluated: 2025-12-14. Review status: criteria provided, single submitter. Criteria: Invitae Variant Classification Sherloc (09022015). Collection method: clinical testing. Allele origin: germline.
Comment: This sequence change creates a premature translational stop signal (p.Ser52*) in the SDHD gene. It is expected to result in an absent or disrupted protein product. Loss-of-function variants in SDHD are known to be pathogenic (PMID: 19454582, 19802898). This variant is not present in population databases (gnomAD no frequency). This premature translational stop signal has been observed in individual(s) with pheochromocytoma (PMID: 23512077). ClinVar contains an entry for this variant (Variation ID: 142068). For these reasons, this variant has been classified as Pathogenic.

Ambry Genetics
Classification: Pathogenic for Hereditary cancer-predisposing syndrome. Last evaluated: 2013-12-05. Review status: criteria provided, single submitter. Criteria: Ambry Autosomal Dominant and X-Linked criteria (10/2015). Collection method: clinical testing. Allele origin: germline. Observed: 1 variant allele.
Comment: Ã¢â‚¬â€¹The p.S52* pathogenic mutation (also known as c.155C>A), located in coding exon 2 of the SDHD gene, results from a C to A substitution at nucleotide position 155. This changes the amino acid from a serine to a stop codon within coding exon 2. In addition to the clinical data presented in the literature, since premature stop codons are typically deleterious in nature, this alteration is interpreted as a disease-causing mutation (ACMG Recommendations for Standards for Interpretation and Reporting of Sequence Variations. Revision 2007. Genet Med. 2008;10:294).

Literature cited by the submitters: PubMed 19454582 (cited by Labcorp Genetics (formerly Invitae), Labcorp); PubMed 19802898 (cited by Labcorp Genetics (formerly Invitae), Labcorp); PubMed 23512077 (cited by Labcorp Genetics (formerly Invitae), Labcorp).